The following is an entry in ClinVar:

NM_001382391.1(CSPP1):c.1698-1G>C

Gene: CSPP1 (centrosome and spindle pole associated protein 1; plus strand). Cytogenetic location: 8q13.2.
Variant type: single nucleotide variant.
Coding change: c.1698-1G>C on transcript NM_001382391.1 (MANE Select); the canonical splice acceptor site of the intron before coding-DNA position 1698, G replaced by C.
Molecular consequence: splice acceptor variant.
Genome position (GRCh38, 1-based): chr8:67,131,950, G>C. VCF-style: chr8-67131950-G-C. GRCh37 (hg19) VCF-style: chr8-68044185-G-C.
Other names: c.1656-1G>C (NM_001363132.2); c.1617-1G>C (NM_001363131.2); c.1575-1G>C (NM_001363133.2); c.1764-1G>C (NM_001364869.1); c.1683-1G>C (NM_024790.7, NM_001438331.1, NM_001438330.1); c.1584-1G>C (NM_001364870.1); c.1152-1G>C (NM_001438332.1); c.801-1G>C (NM_001291339.2).
Identifiers: ClinVar variation 1184140 (VCV001184140.2), dbSNP rs2129554176, ClinGen allele CA371203409.

ClinVar aggregate classification (germline): Pathogenic (1 of 4 stars; one submission).

Conditions:
Joubert syndrome 21 (JBTS21). Identifiers: MedGen C3810212, MONDO:0014288, OMIM 615636.

Submission:

Department of Paediatric Medicine, Post Graduation Institute of Medical Education and Research
Classification: Pathogenic for Joubert syndrome 21. Last evaluated: 2021-07-11. Review status: criteria provided, single submitter. Criteria: ACMG Guidelines, 2015. Collection method: clinical testing. Allele origin: inherited. Inheritance: Autosomal recessive inheritance. Affected: yes. Observed: 1 variant allele, 1 homozygote.
Comment: A homozygous 3' splice site variation in intron 13 of the CSPP1 gene (chr8:g.67131950G>C) that affects the invariant AG acceptor splice site of exon 13 (c.1683-1G>C; ENST00000676317.1) was detected. This is a novel variant.